The following continues an entry in ClinVar:

NM_032043.3(BRIP1):c.2492+2dup

Gene: BRIP1. ClinVar aggregate classification (germline): Pathogenic/Likely pathogenic. Pathogenic (3); Likely pathogenic (8).

Submissions 10 to 13 of 13:

PreventionGenetics, part of Exact Sciences
Classification: Likely pathogenic for BRIP1-related condition. Last evaluated: 2023-05-29. Review status: criteria provided, single submitter. Criteria: ACMG Guidelines, 2015. Collection method: clinical testing. Allele origin: germline.
Comment: The BRIP1 c.2492+2dupT variant is predicted to result in an intronic duplication. **Use instead**, which is predicted to interfere with splicing (Alamut Visual Plus v.1.6.1). This variant, also known as IVS17+2insT, was reported in the compound heterozygous state in an individual with Fanconi anemia (Table 1, Levitus M et al. 2005. PubMed ID: 16116423). This variant has also been reported in the heterozygous state in individuals with breast cancer and ovarian cancer (Table 1, Seal S et al 2006. PubMed ID: 17033622; Table S1, Susswein et al. 2016. PubMed ID: 26681312; Table S7, Lilyquist J et al. 2017. PubMed ID: 28888541). This variant is reported in 0.0039% of alleles in individuals of European (Non-Finnish) descent in gnomAD. This variant is interpreted as likely pathogenic.

Sema4
Classification: Likely pathogenic for Hereditary cancer-predisposing syndrome. Last evaluated: 2021-11-06. Review status: criteria provided, single submitter. Criteria: Sema4 Curation Guidelines. Collection method: curation. Allele origin: germline.
Comment: The BRIP1 c.2492+2dupT variant has been reported in compound heterozygosity with another pathogenic variant in individuals with Fanconi Anemia (PMID: 16116423), and as heterozygote in individuals breast and ovarian cancer (17033622, 26681312, 30322717). In at least one breast cancer family, the variant did not segregate with the disease (PMID: 17033622). It was observed in 5/128220 chromosomes of the Non-Finnish European subpopulation in the Genome Aggregation Database (PMID: 32461654). The variant has been reported in ClinVar (Variation ID 128174). In silico tools predict the variant to have an impact on splicing and RNA studies demonstrated the variant to result in aberrant splicing (PMID: 16116423, 31642931). Based on the current evidence available, this variant is interpreted as likely pathogenic.

Leiden Open Variation Database
Classification: Pathogenic for Fanconi anemia complementation group J. Last evaluated: 2011-02-07. Review status: no assertion criteria provided. Collection method: curation. Allele origin: germline. Affected: yes. Not counted in ClinVar's aggregate classification.
Comment: Curator: Arleen D. Auerbach. Submitter to LOVD: Arleen D. Auerbach.

Department of Pathology and Laboratory Medicine, Sinai Health System
Classification: Uncertain significance for Malignant tumor of breast. Review status: no assertion criteria provided. Collection method: clinical testing. Allele origin: unknown. Affected: yes. Study: The Canadian Open Genetics Repository (COGR). Not counted in ClinVar's aggregate classification.
Comment: The BRIP1 c.2492+2dup variant was identified in 3 of 22886 proband chromosomes (frequency: 0.0001) from individuals or families with Fanconi anemia, breast cancer and unspecified cancer (Susswein 2016, Levitus 2005, Seal 2006). The variant was also identified in dbSBP (ID: rs587780240) as â€šÃ„ÃºWith Likely pathogenic alleleâ€šÃ„Ã¹, and the ClinVar and Clinvitae datbases (3x likely pathogenic: GeneDx, Ambry Genetics, Invitae). The variant was not identified in COSMIC, MutDB, or the Zhejiang Colon Cancer databases. The variant was identified in control databases in 5 of 275052 chromosomes from European non-Finnish individuals at a frequency of 0.00002 increasing the likelihood that this may be a low frequency benign variant in certain populations of origin (Genome Aggregation Consortium Feb 27, 2017). This variant has been observed in an individual with Fanconi Anemia where sequencing of cDNA identified three different species of FANCJ mRNA, two of which lacked either exon 17 or 18, both leading to a frameshift resulting in partial deletion of helicase motif VI. However, the individual with this variant also had the recurrent nonsense mutation R798X in exon 17, which predicts a truncated protein in which the helicase motif VI and the BRCA1- interacting region are deleted (Levitus 2005). In a UK study of 1212 familial breast cancer patients and 2081 healthy controls this variant was identified in one individual with breast cancer but co-segregation was not observed in the family (Seal 2006). The patient's sister and two cousins with breast cancer were BRIP1 wild type. Patient's mother and one other sister also having breast cancer were not tested. The variant was also identified in one individual from 10,030 American consecutive hereditary cancer patients tested by an NGS hereditary cancer panel (Susswein 2016). The authors predict that the variant is expected to be pathogenic based on splicing predictions, however the individual with the variant had no clinical history of cancer. The c.2492+2dup variant is located in the 5' splice region but does not affect the invariant +1 and +2 positions. However, positions +3 to +6 are part of the splicing consensus sequence and variants involving these positions sometimes affect splicing. In addition, 4 of 5 in silico or computational prediction software programs (SpliceSiteFinder, MaxEntScan, NNSPLICE, GeneSplicer, HumanSpliceFinder) predict a greater than 10% difference in splicing; this is not very predictive of pathogenicity. In summary, based on the above information the clinical significance of this variant cannot be determined with certainty at this time. This variant is classified as a variant of uncertain significance.

Literature cited by the submitters: PubMed 16116423 (cited by 8 submitters); PubMed 17033622 (cited by 6 submitters); PubMed 30322717 (cited by 4 submitters); PubMed 17576681 (cited by Labcorp Genetics (formerly Invitae), Labcorp); PubMed 9536098 (cited by Labcorp Genetics (formerly Invitae), Labcorp); PubMed 15285897 (cited by Ambry Genetics); PubMed 19339519 (cited by Ambry Genetics); PubMed 26681312 (cited by Ambry Genetics and Quest Diagnostics Nichols Institute San Juan Capistrano); PubMed 36169650 (cited by Ambry Genetics and Color Diagnostics, LLC DBA Color Health); PubMed 31642931 (cited by 3 submitters).